The following is an entry in ClinVar:

ClinVar aggregate classification (germline): Uncertain significance. Review status: criteria provided, multiple submitters, no conflicts (2 of 4 stars). 2 submissions from 2 submitters: Uncertain significance (2). Last evaluated 2025-12-15.

Conditions:
Arrhythmogenic right ventricular dysplasia 11. Also called: Arrhythmogenic Right Ventricular Dysplasia/Cardiomyopathy11; ARRHYTHMOGENIC RIGHT VENTRICULAR DYSPLASIA, FAMILIAL, 11; Arrhythmogenic right ventricular dysplasia 11 with mild palmoplantar keratoderma and woolly hair. Identifiers: MedGen C1864850, MONDO:0012506, OMIM 610476.
Cardiovascular phenotype. Identifiers: MedGen CN230736.

Allele frequency attached by ClinVar (database versions not stated): TOPMed below 0.00001.

Submissions (2):

Labcorp Genetics (formerly Invitae), Labcorp
Classification: Uncertain significance for Arrhythmogenic right ventricular dysplasia 11. Last evaluated: 2025-12-15. Review status: criteria provided, single submitter. Criteria: Invitae Variant Classification Sherloc (09022015). Collection method: clinical testing. Allele origin: germline.
Comment: This sequence change replaces phenylalanine, which is neutral and non-polar, with leucine, which is neutral and non-polar, at codon 610 of the DSC2 protein (p.Phe610Leu). This variant is not present in population databases (gnomAD no frequency). This variant has not been reported in the literature in individuals affected with DSC2-related conditions. ClinVar contains an entry for this variant (Variation ID: 1780887). Invitae Evidence Modeling of protein sequence and biophysical properties (such as structural, functional, and spatial information, amino acid conservation, physicochemical variation, residue mobility, and thermodynamic stability) indicates that this missense variant is expected to disrupt DSC2 protein function with a positive predictive value of 80%. In summary, the available evidence is currently insufficient to determine the role of this variant in disease. Therefore, it has been classified as a Variant of Uncertain Significance.

Ambry Genetics
Classification: Uncertain significance for Cardiovascular phenotype. Last evaluated: 2021-11-05. Review status: criteria provided, single submitter. Criteria: Ambry Variant Classification Scheme 2023. Collection method: clinical testing. Allele origin: germline.
Comment: The p.F610L variant (also known as c.1828T>C), located in coding exon 12 of the DSC2 gene, results from a T to C substitution at nucleotide position 1828. The phenylalanine at codon 610 is replaced by leucine, an amino acid with highly similar properties. This amino acid position is conserved. In addition, this alteration is predicted to be deleterious by in silico analysis. Since supporting evidence is limited at this time, the clinical significance of this alteration remains unclear.

NM_024422.6(DSC2):c.1828T>C (p.Phe610Leu)

Gene: DSC2 (desmocollin 2; minus strand). Cytogenetic location: 18q12.1.
Variant type: single nucleotide variant.
Coding change: c.1828T>C on transcript NM_024422.6 (MANE Select); coding-DNA position 1828, T replaced by C.
Protein change: p.Phe610Leu; replaces phenylalanine 610 with leucine.
Molecular consequence: missense variant.
Genome position (GRCh38, 1-based): chr18:31,074,743, A>G on the plus strand (T>C on the coding strand, the complement: DSC2 is on the minus strand). VCF-style: chr18-31074743-A-G. GRCh37 (hg19) VCF-style: chr18-28654709-A-G.
Other names: c.1399T>C, p.Phe467Leu (NM_001406506.1, NM_001406507.1); c.1828T>C, p.Phe610Leu (NM_004949.5); short protein forms F467L, F610L.
Identifiers: ClinVar variation 1780887 (VCV001780887.3), dbSNP rs1986953570, ClinGen allele CA402113923.